The following is an entry in ClinVar:

ClinVar aggregate classification (germline): Uncertain significance. Review status: criteria provided, multiple submitters, no conflicts (2 of 4 stars). 2 submissions from 2 submitters: Uncertain significance (2). Last evaluated 2023-10-20.

Conditions:
Inborn genetic diseases. Identifiers: MedGen C0950123, MeSH D030342.
Nephronophthisis. Also called: Juvenile Nephronophthisis. Identifiers: Orphanet 655, MedGen C0687120, MONDO:0019005, HP:0000090.

gnomAD v4.1: 7 of 1,613,810 alleles (0.00043%); highest among the groups gnomAD compares: Admixed American, 0.0083%; no homozygotes.

Submissions (2):

Ambry Genetics
Classification: Uncertain significance for Inborn genetic diseases. Last evaluated: 2023-10-20. Review status: criteria provided, single submitter. Criteria: Ambry Variant Classification Scheme 2023. Collection method: clinical testing. Allele origin: germline.

Labcorp Genetics (formerly Invitae), Labcorp
Classification: Uncertain significance for Nephronophthisis. Last evaluated: 2022-03-29. Review status: criteria provided, single submitter. Criteria: Invitae Variant Classification Sherloc (09022015). Collection method: clinical testing. Allele origin: germline.
Comment: In summary, the available evidence is currently insufficient to determine the role of this variant in disease. Therefore, it has been classified as a Variant of Uncertain Significance. Algorithms developed to predict the effect of missense changes on protein structure and function are either unavailable or do not agree on the potential impact of this missense change (SIFT: "Deleterious"; PolyPhen-2: "Probably Damaging"; Align-GVGD: "Class C0"). This variant has not been reported in the literature in individuals affected with NPHP4-related conditions. This variant is not present in population databases (gnomAD no frequency). This sequence change replaces cysteine, which is neutral and slightly polar, with tryptophan, which is neutral and slightly polar, at codon 1120 of the NPHP4 protein (p.Cys1120Trp).

NM_015102.5(NPHP4):c.3360C>G (p.Cys1120Trp)

Gene: NPHP4 (nephrocystin 4; minus strand). Cytogenetic location: 1p36.31.
Variant type: single nucleotide variant.
Coding change: c.3360C>G on transcript NM_015102.5 (MANE Select); coding-DNA position 3360, C replaced by G.
Protein change: p.Cys1120Trp; replaces cysteine 1120 with tryptophan.
Molecular consequence: missense variant. On other transcripts: non-coding transcript variant (1).
Genome position (GRCh38, 1-based): chr1:5,867,852, G>C on the plus strand (C>G on the coding strand, the complement: NPHP4 is on the minus strand). VCF-style: chr1-5867852-G-C. GRCh37 (hg19) VCF-style: chr1-5927912-G-C.
Other names: c.3360C>G (NM_015102.3); c.1821C>G, p.Cys607Trp (NM_001291593.2); c.1824C>G, p.Cys608Trp (NM_001291594.2); short protein forms C1120W, C608W, C607W.
Identifiers: ClinVar variation 2168174 (VCV002168174.5), dbSNP rs188869698, ClinGen allele CA17130815.